The following is an entry in ClinVar:

ClinVar aggregate classification (germline): Conflicting classifications of pathogenicity. Review status: criteria provided, conflicting classifications (1 of 4 stars). 3 submissions from 3 submitters: Uncertain significance (2); Likely benign (1). Last evaluated 2026-04-17.

Conditions:
Oto-palato-digital syndrome, type II (OPD2). Also called: FACIOPALATOOSSEOUS SYNDROME; OPD II SYNDROME; Otopalatodigital Syndrome, Type II; Otopalatodigital Syndrome Type 2 (FLNA-OPD2). Identifiers: Orphanet 669, Orphanet 90652, MedGen C1844696, MONDO:0010571, OMIM 304120.
Heterotopia, periventricular, X-linked dominant (PVNH1). Also called: PERIVENTRICULAR NODULAR HETEROTOPIA 1; PERIVENTRICULAR NODULAR HETEROTOPIA 4; HETEROTOPIA, PERIVENTRICULAR, 1; X-linked periventricular heterotopia. Identifiers: Orphanet 2149, Orphanet 82004, MedGen C1848213, MONDO:0010233, OMIM 300049.
Melnick-Needles syndrome (MNS). Also called: MELNICK-NEEDLES OSTEODYSPLASTY; OSTEODYSPLASTY OF MELNICK AND NEEDLES; Melnick-Needles Syndrome (FLNA-MNS). Identifiers: Orphanet 2484, MedGen C0025237, MONDO:0010650, OMIM 309350.
Frontometaphyseal dysplasia (FMD1). Identifiers: Orphanet 1826, MedGen C0265293, MONDO:0015942.
Familial thoracic aortic aneurysm and aortic dissection (TAAD). Also called: Thoracic aortic aneurysms and dissections. Identifiers: Orphanet 91387, MedGen C4707243, MONDO:0019625.

Allele frequency attached by ClinVar (database versions not stated): gnomAD 0.00001; gnomAD exomes 0.00003.
gnomAD v4.1: 31 of 1,194,577 alleles (0.0026%); highest among the groups gnomAD compares: Non-Finnish European, 0.0033%; no homozygotes.

Submissions (3):

GeneDx
Classification: Uncertain significance. Last evaluated: 2026-04-17. Review status: criteria provided, single submitter. Criteria: GeneDx Variant Classification Process June 2021. Collection method: clinical testing. Allele origin: germline.
Comment: Has not been previously published as pathogenic or benign to our knowledge; In silico analysis suggests that this missense variant does not alter protein structure/function; Not observed at significant frequency in large population cohorts (gnomAD)

Labcorp Genetics (formerly Invitae), Labcorp
Classification: Likely benign for Oto-palato-digital syndrome, type II; Heterotopia, periventricular, X-linked dominant; Frontometaphyseal dysplasia; Melnick-Needles syndrome. Last evaluated: 2025-02-10. Review status: criteria provided, single submitter. Criteria: Invitae Variant Classification Sherloc (09022015). Collection method: clinical testing. Allele origin: germline.

Ambry Genetics
Classification: Uncertain significance for Familial thoracic aortic aneurysm and aortic dissection. Last evaluated: 2015-01-30. Review status: criteria provided, single submitter. Criteria: Ambry Variant Classification Scheme 2023. Collection method: clinical testing. Allele origin: germline.
Comment: The p.A26P variant (also known as c.76G>C), located in coding exon 1 of the FLNA gene, results from a G to C substitution at nucleotide position 76. The alanine at codon 26 is replaced by proline, an amino acid with a few highly similar properties. This variant was not reported in population based cohorts in the following databases: Database of Single Nucleotide Polymorphisms (dbSNP), NHLBI Exome Sequencing Project (ESP), and 1000 Genomes Project. In the ESP, this variant was not observed in 6,443 samples with coverage at this position. This amino acid position is well conserved in available vertebrate species. In addition, this alteration is predicted to be tolerated by in silico analysis. Since supporting evidence is limited at this time, the clinical significance of this variant remains unclear.

NM_001110556.2(FLNA):c.76G>C (p.Ala26Pro)

Gene: FLNA (filamin A; minus strand). Cytogenetic location: Xq28.
Variant type: single nucleotide variant.
Coding change: c.76G>C on transcript NM_001110556.2 (MANE Select); coding-DNA position 76, G replaced by C.
Protein change: p.Ala26Pro; replaces alanine 26 with proline.
Molecular consequence: missense variant.
Genome position (GRCh38, 1-based): chrX:154,371,170, C>G on the plus strand (G>C on the coding strand, the complement: FLNA is on the minus strand). VCF-style: chrX-154371170-C-G. GRCh37 (hg19) VCF-style: chrX-153599538-C-G.
Other names: c.76G>C, p.Ala26Pro (NM_001456.4); short protein forms A26P.
Identifiers: ClinVar variation 263897 (VCV000263897.14), dbSNP rs886038966, ClinGen allele CA10587975.
Genomic context (GRCh38, chrX:154,371,170, plus strand): 5'-GCTGGATCTTCTTCCACGGCGCGTCCTCCGCCAGGTCCTTCTCGGTGGCCGGCATCTCGG[C>G]GTCCCGCGTGTCGACGCCGCCGCCCGGAGCCGCGCCTGCTGCGCTCTGGCCCGCCCGAGA-3'
Protein context (NP_001104026.1, residues 16-36): APGGGVDTRD[Ala26Pro]EMPATEKDLA